The following is an entry in ClinVar:

ClinVar aggregate classification (germline): Uncertain significance (1 of 4 stars; one submission).

Conditions:
Ehlers-Danlos syndrome, classic type, 1 (EDSCL1). Also called: EHLERS-DANLOS SYNDROME, GRAVIS TYPE; EHLERS-DANLOS SYNDROME, SEVERE CLASSIC TYPE; Ehlers-Danlos syndrome, type 1; Ehlers-Danlos Syndrome, Classic Type, COL5A1-Related; EDS I. Identifiers: MedGen C0268335, MONDO:0019567, OMIM 130000.

gnomAD v4.1: 1 of 1,612,562 alleles (0.000062%); highest among the groups gnomAD compares: East Asian, 0.0022%; no homozygotes.

Submission:

Labcorp Genetics (formerly Invitae), Labcorp
Classification: Uncertain significance for Ehlers-Danlos syndrome, classic type, 1. Last evaluated: 2024-04-25. Review status: criteria provided, single submitter. Criteria: Invitae Variant Classification Sherloc (09022015). Collection method: clinical testing. Allele origin: germline.
Comment: This sequence change replaces proline, which is neutral and non-polar, with threonine, which is neutral and polar, at codon 860 of the COL5A1 protein (p.Pro860Thr). This variant is not present in population databases (gnomAD no frequency). This variant has not been reported in the literature in individuals affected with COL5A1-related conditions. Advanced modeling of protein sequence and biophysical properties (such as structural, functional, and spatial information, amino acid conservation, physicochemical variation, residue mobility, and thermodynamic stability) performed at Invitae indicates that this missense variant is not expected to disrupt COL5A1 protein function with a negative predictive value of 95%. In summary, the available evidence is currently insufficient to determine the role of this variant in disease. Therefore, it has been classified as a Variant of Uncertain Significance.

NM_000093.5(COL5A1):c.2578C>A (p.Pro860Thr)

Gene: COL5A1 (collagen type V alpha 1 chain; plus strand). Cytogenetic location: 9q34.3.
Variant type: single nucleotide variant.
Coding change: c.2578C>A on transcript NM_000093.5 (MANE Select); coding-DNA position 2578, C replaced by A.
Protein change: p.Pro860Thr; replaces proline 860 with threonine.
Molecular consequence: missense variant.
Genome position (GRCh38, 1-based): chr9:134,785,082, C>A. VCF-style: chr9-134785082-C-A. GRCh37 (hg19) VCF-style: chr9-137676928-C-A.
Other names: c.2578C>A, p.Pro860Thr (NM_001278074.1); short protein forms P860T.
Identifiers: ClinVar variation 3681428 (VCV003681428.2).